The following is an entry in ClinVar:

ClinVar aggregate classification (germline): Uncertain significance. Review status: criteria provided, multiple submitters, no conflicts (2 of 4 stars). 2 submissions from 2 submitters: Uncertain significance (2). Last evaluated 2021-11-07.

Conditions:
Inborn genetic diseases. Identifiers: MedGen C0950123, MeSH D030342.
Charcot-Marie-Tooth disease type 4. Also called: Charcot-Marie-Tooth, Type 4; Charcot-Marie-Tooth disease, type IV. Identifiers: Orphanet 64749, MedGen C4082197, MONDO:0018995.

Submissions (2):

Ambry Genetics
Classification: Uncertain significance for Inborn genetic diseases. Last evaluated: 2021-11-07. Review status: criteria provided, single submitter. Criteria: Ambry Variant Classification Scheme 2023. Collection method: clinical testing. Allele origin: germline.
Comment: The p.G908S variant (also known as c.2722G>A), located in coding exon 22 of the SBF2 gene, results from a G to A substitution at nucleotide position 2722. The glycine at codon 908 is replaced by serine, an amino acid with similar properties. This amino acid position is highly conserved in available vertebrate species. In addition, the in silico prediction for this alteration is inconclusive. Since supporting evidence is limited at this time, the clinical significance of this alteration remains unclear.

Labcorp Genetics (formerly Invitae), Labcorp
Classification: Uncertain significance for Charcot-Marie-Tooth disease type 4. Last evaluated: 2021-09-01. Review status: criteria provided, single submitter. Criteria: Invitae Variant Classification Sherloc (09022015). Collection method: clinical testing. Allele origin: germline.
Comment: This sequence change replaces glycine with serine at codon 908 of the SBF2 protein (p.Gly908Ser). The glycine residue is moderately conserved and there is a small physicochemical difference between glycine and serine. This variant is not present in population databases (ExAC no frequency). This variant has not been reported in the literature in individuals affected with SBF2-related conditions. Algorithms developed to predict the effect of missense changes on protein structure and function are either unavailable or do not agree on the potential impact of this missense change (SIFT: "Tolerated"; PolyPhen-2: "Probably Damaging"; Align-GVGD: "Class C0"). In summary, the available evidence is currently insufficient to determine the role of this variant in disease. Therefore, it has been classified as a Variant of Uncertain Significance.

NM_030962.4(SBF2):c.2722G>A (p.Gly908Ser)

Genes: SBF2 (SET binding factor 2; minus strand), LOC101928008 (uncharacterized LOC101928008; plus strand). Cytogenetic location: 11p15.4.
Variant type: single nucleotide variant.
Coding change: c.2722G>A on transcript NM_030962.4 (MANE Select); coding-DNA position 2722, G replaced by A.
Protein change: p.Gly908Ser; replaces glycine 908 with serine.
Molecular consequence: missense variant.
Genome position (GRCh38, 1-based): chr11:9,850,107, C>T on the plus strand (G>A on the coding strand, the complement: SBF2 is on the minus strand). VCF-style: chr11-9850107-C-T. GRCh37 (hg19) VCF-style: chr11-9871654-C-T.
Other names: c.2722G>A, p.Gly908Ser (NM_001386339.1); c.2593G>A, p.Gly865Ser (NM_001386342.1); short protein forms G908S, G865S.
Identifiers: ClinVar variation 944003 (VCV000944003.9), dbSNP rs1856815904, ClinGen allele CA379635530.